The following is an entry in ClinVar:

NM_002880.4(RAF1):c.419A>G (p.Asn140Ser)

Gene: RAF1 (Raf-1 proto-oncogene, serine/threonine kinase; minus strand). Cytogenetic location: 3p25.2.
Variant type: single nucleotide variant.
Coding change: c.419A>G on transcript NM_002880.4 (MANE Select); coding-DNA position 419, A replaced by G.
Protein change: p.Asn140Ser; replaces asparagine 140 with serine.
Molecular consequence: missense variant. On other transcripts: non-coding transcript variant (3).
Genome position (GRCh38, 1-based): chr3:12,609,237, T>C on the plus strand (A>G on the coding strand, the complement: RAF1 is on the minus strand). VCF-style: chr3-12609237-T-C. GRCh37 (hg19) VCF-style: chr3-12650736-T-C.
Other names: c.419A>G, p.Asn140Ser (NM_001354689.3, NM_001354690.3, NM_001354693.3); c.176A>G, p.Asn59Ser (NM_001354691.3, NM_001354692.3, NM_001354694.3 and 1 more transcripts); short protein forms N140S, N59S.
Identifiers: ClinVar variation 229179 (VCV000229179.23), dbSNP rs876657968, ClinGen allele CA10576605.

ClinVar aggregate classification (germline): Uncertain significance. Review status: criteria provided, multiple submitters, no conflicts (2 of 4 stars). 4 submissions from 4 submitters: Uncertain significance (4). Last evaluated 2025-06-27.

Conditions:
Cardiovascular phenotype. Identifiers: MedGen CN230736.
RASopathy. Also called: rasopathies; Noonan spectrum disorder. Identifiers: Orphanet 536391, MedGen C5555857, MONDO:0021060.

Allele frequency attached by ClinVar (database versions not stated): gnomAD exomes below 0.00001.
gnomAD v4.1: 1 of 1,604,572 alleles (0.000062%); highest among the groups gnomAD compares: African/African-American, 0.0013%; no homozygotes.

Submissions (4):

Labcorp Genetics (formerly Invitae), Labcorp
Classification: Uncertain significance for RASopathy. Last evaluated: 2025-06-27. Review status: criteria provided, single submitter. Criteria: Invitae Variant Classification Sherloc (09022015). Collection method: clinical testing. Allele origin: germline.
Comment: This sequence change replaces asparagine, which is neutral and polar, with serine, which is neutral and polar, at codon 140 of the RAF1 protein (p.Asn140Ser). This variant is present in population databases (no rsID available, gnomAD 0.007%). This variant has not been reported in the literature in individuals affected with RAF1-related conditions. ClinVar contains an entry for this variant (Variation ID: 229179). Invitae Evidence Modeling incorporating data from in vitro experimental studies (internal data) indicates that this missense variant is expected to disrupt RAF1 function with a positive predictive value of 95%. In summary, the available evidence is currently insufficient to determine the role of this variant in disease. Therefore, it has been classified as a Variant of Uncertain Significance.

Ambry Genetics
Classification: Uncertain significance for Cardiovascular phenotype. Last evaluated: 2025-06-06. Review status: criteria provided, single submitter. Criteria: Ambry Variant Classification Scheme 2023. Collection method: clinical testing. Allele origin: germline.
Comment: The p.N140S variant (also known as c.419A>G), located in coding exon 3 of the RAF1 gene, results from an A to G substitution at nucleotide position 419. The asparagine at codon 140 is replaced by serine, an amino acid with highly similar properties. This amino acid position is highly conserved in available vertebrate species. In addition, the in silico prediction for this alteration is inconclusive. Since supporting evidence is limited at this time, the clinical significance of this alteration remains unclear.

Mayo Clinic Laboratories, Mayo Clinic
Classification: Uncertain significance. Last evaluated: 2022-01-11. Review status: criteria provided, single submitter. Criteria: ACMG Guidelines, 2015. Collection method: clinical testing. Allele origin: germline.

Laboratory for Molecular Medicine, Mass General Brigham Personalized Medicine
Classification: Uncertain significance. Last evaluated: 2015-05-18. Review status: criteria provided, single submitter. Criteria: LMM Criteria. Collection method: clinical testing. Allele origin: germline. Observed: 1 variant allele.
Comment: The p.Asn140Ser variant in RAF1 has not been previously reported in individuals with clinical features of Noonan syndrome or in large population studies. Comput ational prediction tools and conservation analysis do not provide strong support for or against an impact to the protein. In summary, the clinical significance of the p.Asn140Ser variant is uncertain.